The following is an entry in ClinVar:

NM_016222.4(DDX41):c.1621+1G>T

Gene: DDX41 (DEAD-box helicase 41; minus strand). Cytogenetic location: 5q35.3.
Variant type: single nucleotide variant.
Coding change: c.1621+1G>T on transcript NM_016222.4 (MANE Select); the canonical splice donor site of the intron after coding-DNA position 1621, G replaced by T.
Molecular consequence: splice donor variant.
Genome position (GRCh38, 1-based): chr5:177,512,321, C>A on the plus strand (G>T on the coding strand, the complement: DDX41 is on the minus strand). VCF-style: chr5-177512321-C-A. GRCh37 (hg19) VCF-style: chr5-176939322-C-A.
Other names: c.1243+1G>T (NM_001321830.2, NM_001321732.2).
Identifiers: ClinVar variation 3838962 (VCV003838962.1).
Genomic context (GRCh38, chr5:177,512,321, plus strand): 5'-CTGGGTGGCCACAGGCAGGGGACCCAGGGAACAGCTAAGGTGGCGCTGGTAACAGACTCA[C>A]CACACGCTTTGTTGATGAAGGTAGTGGCGATGCCTGTGTTTCCCGAGCGCCCGGTGCGGC-3'

ClinVar aggregate classification (germline): Uncertain significance (1 of 4 stars; one submission).

Conditions:
Inborn genetic diseases. Identifiers: MedGen C0950123, MeSH D030342.

Submission:

Ambry Genetics
Classification: Uncertain significance for Inborn genetic diseases. Last evaluated: 2025-01-10. Review status: criteria provided, single submitter. Criteria: Ambry Variant Classification Scheme 2023. Collection method: clinical testing. Allele origin: germline.
Comment: The c.1621+1G>T intronic variant results from a G to T substitution one nucleotide after coding exon 15 of the DDX41 gene. Alterations that disrupt the canonical splice site are expected to result in aberrant splicing. This nucleotide position is highly conserved in available vertebrate species. In silico splice site analysis predicts that this alteration will weaken the native splice donor site and will result in the creation or strengthening of a novel splice donor site. The resulting transcript is predicted to be in-frame and is not expected to trigger nonsense-mediated mRNAdecay; however, direct evidence is insufficient at this time (Ambry internal data). Based on the available evidence, the clinical significance of this variant remains unclear.